The following is an entry in ClinVar:

ClinVar aggregate classification (germline): Uncertain significance. Review status: criteria provided, multiple submitters, no conflicts (2 of 4 stars). 2 submissions from 2 submitters: Uncertain significance (2). Last evaluated 2025-11-20.

Conditions:
Inborn genetic diseases. Identifiers: MedGen C0950123, MeSH D030342.

Allele frequency attached by ClinVar (database versions not stated): gnomAD exomes below 0.00001; ExAC 0.00001; gnomAD 0.00001; TOPMed 0.00002.
gnomAD v4.1: 4 of 1,610,638 alleles (0.00025%); highest among the groups gnomAD compares: African/African-American, 0.004%; no homozygotes.

Submissions (2):

Ambry Genetics
Classification: Uncertain significance for Inborn genetic diseases. Last evaluated: 2025-11-20. Review status: criteria provided, single submitter. Criteria: Ambry Variant Classification Scheme 2023. Collection method: clinical testing. Allele origin: germline.

Labcorp Genetics (formerly Invitae), Labcorp
Classification: Uncertain significance. Last evaluated: 2024-04-30. Review status: criteria provided, single submitter. Criteria: Invitae Variant Classification Sherloc (09022015). Collection method: clinical testing. Allele origin: germline.
Comment: This sequence change replaces lysine, which is basic and polar, with glutamine, which is neutral and polar, at codon 302 of the GSN protein (p.Lys302Gln). This variant is present in population databases (rs780450190, gnomAD 0.008%). This variant has not been reported in the literature in individuals affected with GSN-related conditions. An algorithm developed to predict the effect of missense changes on protein structure and function (PolyPhen-2) suggests that this variant is likely to be disruptive. In summary, the available evidence is currently insufficient to determine the role of this variant in disease. Therefore, it has been classified as a Variant of Uncertain Significance.

NM_198252.3(GSN):c.751A>C (p.Lys251Gln)

Gene: GSN (gelsolin; plus strand). Cytogenetic location: 9q33.2.
Variant type: single nucleotide variant.
Coding change: c.751A>C on transcript NM_198252.3 (MANE Select); coding-DNA position 751, A replaced by C.
Protein change: p.Lys251Gln; replaces lysine 251 with glutamine.
Molecular consequence: missense variant.
Genome position (GRCh38, 1-based): chr9:121,314,021, A>C. VCF-style: chr9-121314021-A-C. GRCh37 (hg19) VCF-style: chr9-124076299-A-C.
Other names: c.904A>C, p.Lys302Gln (NM_000177.5); c.751A>C, p.Lys251Gln (NM_001127662.2, NM_001353056.2, NM_001353057.2 and 10 more transcripts); c.784A>C, p.Lys262Gln (NM_001353063.2, NM_001353064.2, NM_001353075.1 and 13 more transcripts); c.823A>C, p.Lys275Gln (NM_001353076.2); c.97A>C, p.Lys33Gln (NM_001353078.2); c.859A>C, p.Lys287Gln (NM_001127663.2); c.802A>C, p.Lys268Gln (NM_001258029.2); c.775A>C, p.Lys259Gln (NM_001258030.2); and 1 more; short protein forms K251Q, K262Q, K275Q, K33Q, K259Q, K268Q, K287Q, K302Q.
Identifiers: ClinVar variation 2974207 (VCV002974207.4), dbSNP rs780450190, ClinGen allele CA5221019.